The following is an entry in ClinVar:

NM_001330311.2(DVL1):c.250G>T (p.Ala84Ser)

Gene: DVL1 (dishevelled segment polarity protein 1; minus strand). Cytogenetic location: 1p36.33.
Variant type: single nucleotide variant.
Coding change: c.250G>T on transcript NM_001330311.2 (MANE Select); coding-DNA position 250, G replaced by T.
Protein change: p.Ala84Ser; replaces alanine 84 with serine.
Molecular consequence: missense variant.
Genome position (GRCh38, 1-based): chr1:1,342,475, C>A on the plus strand (G>T on the coding strand, the complement: DVL1 is on the minus strand). VCF-style: chr1-1342475-C-A. GRCh37 (hg19) VCF-style: chr1-1277855-C-A.
Other names: c.250G>T, p.Ala84Ser (NM_004421.3); short protein forms A84S.
Identifiers: ClinVar variation 4280078 (VCV004280078.1).

ClinVar aggregate classification (germline): Uncertain significance (1 of 4 stars; one submission).

Conditions:
Ciliary dyskinesia, primary, 40. Also called: CILIARY DYSKINESIA, PRIMARY, 40, WITH OR WITHOUT SITUS INVERSUS. Identifiers: MedGen C4749028, MONDO:0032664, OMIM 618300.

Submission:

Johns Hopkins Genomics, Johns Hopkins University
Classification: Uncertain significance for Ciliary dyskinesia, primary, 40. Last evaluated: 2025-04-17. Review status: criteria provided, single submitter. Criteria: ACMG Guidelines, 2015. Collection method: clinical testing. Allele origin: germline.
Comment: The clinical significance of this variant is uncertain (PM2).

Literature cited by the submitters: PubMed 25817014; PubMed 25817016; PubMed 26924530.